The following is an entry in ClinVar:

NM_003413.4(ZIC3):c.463G>T (p.Glu155Ter)

Gene: ZIC3 (Zic family zinc finger 3; plus strand). Cytogenetic location: Xq26.3.
Variant type: single nucleotide variant.
Coding change: c.463G>T on transcript NM_003413.4 (MANE Select); coding-DNA position 463, G replaced by T.
Protein change: p.Glu155Ter; replaces glutamic acid 155 with a stop codon.
Molecular consequence: nonsense.
Genome position (GRCh38, 1-based): chrX:137,567,154, G>T. VCF-style: chrX-137567154-G-T. GRCh37 (hg19) VCF-style: chrX-136649313-G-T.
Other names: c.463G>T, p.Glu155Ter (NM_001330661.1); short protein forms E155*.
Identifiers: ClinVar variation 2737377 (VCV002737377.3), dbSNP rs2521148992, ClinGen allele CA414769978.

ClinVar aggregate classification (germline): Pathogenic (1 of 4 stars; one submission).

Conditions:
Heterotaxy, visceral, 1, X-linked (HTX1). Also called: DEXTROCARDIA WITH OTHER CARDIAC MALFORMATIONS; Laterality, X-linked; Visceral heterotaxia; SITUS INVERSUS, COMPLEX CARDIAC DEFECTS, AND SPLENIC DEFECTS, X-LINKED. Identifiers: Orphanet 450, MedGen C1844020, MONDO:0010607, OMIM 306955.

Submission:

Labcorp Genetics (formerly Invitae), Labcorp
Classification: Pathogenic for Heterotaxy, visceral, 1, X-linked. Last evaluated: 2023-12-19. Review status: criteria provided, single submitter. Criteria: Invitae Variant Classification Sherloc (09022015). Collection method: clinical testing. Allele origin: germline.
Comment: This sequence change creates a premature translational stop signal (p.Glu155*) in the ZIC3 gene. It is expected to result in an absent or disrupted protein product. Loss-of-function variants in ZIC3 are known to be pathogenic (PMID: 24123890). This variant is not present in population databases (gnomAD no frequency). This premature translational stop signal has been observed in individual(s) with heterotaxy (PMID: 24123890). For these reasons, this variant has been classified as Pathogenic.

Literature cited by the submitters: PubMed 24123890.